The following is an entry in ClinVar:

ClinVar aggregate classification (germline): Likely benign (0 of 4 stars; one submission).

Conditions:
TMEM132E-related disorder. Also called: TMEM132E-related condition.

Submission:

PreventionGenetics, part of Exact Sciences
Classification: Likely benign for TMEM132E-related condition. Last evaluated: 2019-07-29. Review status: no assertion criteria provided. Collection method: clinical testing. Allele origin: germline.
Comment: This variant is classified as likely benign based on ACMG/AMP sequence variant interpretation guidelines (Richards et al. 2015 PMID: 25741868, with internal and published modifications).

NM_001304438.2(TMEM132E):c.1242C>T (p.Asp414=)

Gene: TMEM132E (transmembrane protein 132E; plus strand). Cytogenetic location: 17q12.
Variant type: single nucleotide variant.
Coding change: c.1242C>T on transcript NM_001304438.2 (MANE Select); coding-DNA position 1242, C replaced by T.
Protein change: p.Asp414=; no amino-acid change (aspartic acid 414 retained).
Molecular consequence: synonymous variant.
Genome position (GRCh38, 1-based): chr17:34,629,108, C>T. VCF-style: chr17-34629108-C-T. GRCh37 (hg19) VCF-style: chr17-32956127-C-T.
Identifiers: ClinVar variation 3035726 (VCV003035726.2), dbSNP rs2508609671, ClinGen allele CA499726668.
Genomic context (GRCh38, chr17:34,629,108, plus strand): 5'-CTTTGAAATGGAGAACTTCACCAGCCAGTCAGTCAAGCGGAGGATCATGTGGCACATTGA[C>T]TACCGTGGCCACGGCGCCCTGCCTGACCTGGAGCGGGCAGTCACTGAGCTGACGGTCATT-3'
Protein context (NP_001291367.1, residues 404-424): SVKRRIMWHI[Asp414=]YRGHGALPDL